The following is an entry in ClinVar:

NM_006363.6(SEC23B):c.890C>T (p.Thr297Ile)

Gene: SEC23B (SEC23 homolog B, COPII component; plus strand). Cytogenetic location: 20p11.23.
Variant type: single nucleotide variant.
Coding change: c.890C>T on transcript NM_006363.6 (MANE Select); coding-DNA position 890, C replaced by T.
Protein change: p.Thr297Ile; replaces threonine 297 with isoleucine.
Molecular consequence: missense variant.
Genome position (GRCh38, 1-based): chr20:18,526,428, C>T. VCF-style: chr20-18526428-C-T. GRCh37 (hg19) VCF-style: chr20-18507072-C-T.
Other names: c.890C>T, p.Thr297Ile (NM_001172745.3, NM_032985.6, NM_032986.5); c.836C>T, p.Thr279Ile (NM_001172746.3); short protein forms T279I, T297I.
Identifiers: ClinVar variation 663227 (VCV000663227.10), dbSNP rs1363436677, ClinGen allele CA408360134.
Genomic context (GRCh38, chr20:18,526,428, plus strand): 5'-TTTAGGGCACTTTTCCAAACACAGGAGCCAGGATCATGCTGTTTACTGGAGGTCCCCCTA[C>T]CCAAGGGCCTGGCATGGTGGTTGGAGATGAATTAAAGATTCCTATTCGTTCTTGGCATGA-3'
Protein context (NP_006354.2, residues 287-307): RIMLFTGGPP[Thr297Ile]QGPGMVVGDE

ClinVar aggregate classification (germline): Uncertain significance. Review status: criteria provided, multiple submitters, no conflicts (2 of 4 stars). 4 submissions from 4 submitters: Uncertain significance (4). Last evaluated 2024-06-07.

Conditions:
Congenital dyserythropoietic anemia, type II (CDAN2). Also called: DYSERYTHROPOIETIC ANEMIA, HEMPAS TYPE. Identifiers: Orphanet 98873, MedGen C1306589, MONDO:0009134, OMIM 224100.
Cowden syndrome 7 (CWS7). Identifiers: Orphanet 201, MedGen C4225179, MONDO:0014802, OMIM 616858.

Allele frequency attached by ClinVar (database versions not stated): gnomAD exomes below 0.00001; gnomAD 0.00001; TOPMed 0.00001.
gnomAD v4.1: 2 of 1,614,078 alleles (0.00012%); highest among the groups gnomAD compares: Non-Finnish European, 0.00017%; no homozygotes.

Submissions (4):

Women's Health and Genetics/Laboratory Corporation of America, LabCorp
Classification: Uncertain significance. Last evaluated: 2024-06-07. Review status: criteria provided, single submitter. Criteria: LabCorp Variant Classification Summary - May 2015. Collection method: clinical testing. Allele origin: germline.
Comment: Variant summary: SEC23B c.890C>T (p.Thr297Ile) results in a non-conservative amino acid change located in the Sec23/Sec24, trunk domain (IPR006896) of the encoded protein sequence. Five of five in-silico tools predict a damaging effect of the variant on protein function. The variant was absent in 251434 control chromosomes. The available data on variant occurrences in the general population are insufficient to allow any conclusion about variant significance. To our knowledge, no occurrence of c.890C>T in individuals affected with SEC23B-Related Disorders and no experimental evidence demonstrating its impact on protein function have been reported. ClinVar contains an entry for this variant (Variation ID: 663227). Based on the evidence outlined above, the variant was classified as uncertain significance.

GeneDx
Classification: Uncertain significance. Last evaluated: 2023-03-30. Review status: criteria provided, single submitter. Criteria: GeneDx Variant Classification Process June 2021. Collection method: clinical testing. Allele origin: germline. Affected: yes.
Comment: Not observed at significant frequency in large population cohorts (gnomAD); In silico analysis supports that this missense variant has a deleterious effect on protein structure/function; Has not been previously published as pathogenic or benign to our knowledge

Revvity Omics, Revvity
Classification: Uncertain significance. Last evaluated: 2022-09-13. Review status: criteria provided, single submitter. Criteria: ACMG Guidelines, 2015. Collection method: clinical testing. Allele origin: germline.

Labcorp Genetics (formerly Invitae), Labcorp
Classification: Uncertain significance for Congenital dyserythropoietic anemia, type II; Cowden syndrome 7. Last evaluated: 2021-08-27. Review status: criteria provided, single submitter. Criteria: Invitae Variant Classification Sherloc (09022015). Collection method: clinical testing. Allele origin: germline.
Comment: This sequence change replaces threonine with isoleucine at codon 297 of the SEC23B protein (p.Thr297Ile). The threonine residue is highly conserved and there is a moderate physicochemical difference between threonine and isoleucine. This variant is not present in population databases (ExAC no frequency). This variant has not been reported in the literature in individuals affected with SEC23B-related conditions. Algorithms developed to predict the effect of missense changes on protein structure and function are either unavailable or do not agree on the potential impact of this missense change (SIFT: "Deleterious"; PolyPhen-2: "Probably Damaging"; Align-GVGD: "Class C15"). In summary, the available evidence is currently insufficient to determine the role of this variant in disease. Therefore, it has been classified as a Variant of Uncertain Significance.